The following is an entry in ClinVar:

ClinVar aggregate classification (germline): Benign/Likely benign. Review status: criteria provided, multiple submitters, no conflicts (2 of 4 stars). 2 submissions from 2 submitters: Benign (1); Likely benign (1). Last evaluated 2026-01-14.

Conditions:
SPTLC2-related disorder. Also called: SPTLC2-related condition.
Neuropathy, hereditary sensory and autonomic, type 1C. Also called: HSAN IC; HSN IC. Identifiers: Orphanet 36386, MedGen C3150896, MONDO:0013337, OMIM 613640.

Allele frequency attached by ClinVar (database versions not stated): 1000 Genomes Project 30x 0.00016; ExAC 0.00016; 1000 Genomes Project 0.00020.
gnomAD v4.1: 67 of 1,614,004 alleles (0.0042%); highest among the groups gnomAD compares: Admixed American, 0.11%; 2 homozygotes.

Submissions (2):

Labcorp Genetics (formerly Invitae), Labcorp
Classification: Benign for Neuropathy, hereditary sensory and autonomic, type 1C. Last evaluated: 2026-01-14. Review status: criteria provided, single submitter. Criteria: Invitae Variant Classification Sherloc (09022015). Collection method: clinical testing. Allele origin: germline.

PreventionGenetics, part of Exact Sciences
Classification: Likely benign for SPTLC2-related condition. Last evaluated: 2025-06-26. Review status: criteria provided, single submitter. Criteria: ACMG Guidelines, 2015. Collection method: clinical testing. Allele origin: germline.
Comment: This variant is classified as likely benign based on ACMG/AMP sequence variant interpretation guidelines (Richards et al. 2015 PMID: 25741868, with internal and published modifications).

NM_004863.4(SPTLC2):c.666T>C (p.Leu222=)

Gene: SPTLC2 (serine palmitoyltransferase long chain base subunit 2; minus strand). Cytogenetic location: 14q24.3.
Variant type: single nucleotide variant.
Coding change: c.666T>C on transcript NM_004863.4 (MANE Select); coding-DNA position 666, T replaced by C.
Protein change: p.Leu222=; no amino-acid change (leucine 222 retained).
Molecular consequence: synonymous variant.
Genome position (GRCh38, 1-based): chr14:77,570,474, A>G on the plus strand (T>C on the coding strand, the complement: SPTLC2 is on the minus strand). VCF-style: chr14-77570474-A-G. GRCh37 (hg19) VCF-style: chr14-78036817-A-G.
Other names: c.666T>C (NM_004863.3).
Identifiers: ClinVar variation 1170384 (VCV001170384.10), dbSNP rs185957601, ClinGen allele CA7289399.
Genomic context (GRCh38, chr14:77,570,474, plus strand): 5'-ATTCGTTGCAAATCCCATGCCATACGCCATAGCAGCTTCTACTCCTAAGAACCTTGCTAC[A>G]AGCTCCTCTAGTTCTTCATGCTTGTCCAGGTTTCCTGTGTGAAGAAGTTAATAAAGTCAG-3'
Protein context (NP_004854.1, residues 212-232): NLDKHEELEE[Leu222=]VARFLGVEAA